The following is an entry in ClinVar:

NC_000007.13:g.(?_21779281)_(21779936_?)del

Gene: DNAH11 (dynein axonemal heavy chain 11; plus strand). Cytogenetic location: 7p15.3.
Variant type: Deletion.
Identifiers: ClinVar variation 3245642 (VCV003245642.1).

ClinVar aggregate classification (germline): Likely pathogenic (1 of 4 stars; one submission).

Conditions:
Primary ciliary dyskinesia. Also called: Ciliary dyskinesia. Identifiers: Orphanet 244, MedGen C0008780, MONDO:0016575, HP:0012265.

Submission:

Labcorp Genetics (formerly Invitae), Labcorp
Classification: Likely pathogenic for Primary ciliary dyskinesia. Last evaluated: 2022-03-03. Review status: criteria provided, single submitter. Criteria: Invitae Variant Classification Sherloc (09022015). Collection method: clinical testing. Allele origin: unknown.
Comment: ClinVar contains an entry for this variant (Variation ID: 851573). In summary, the currently available evidence indicates that the variant is pathogenic, but additional data are needed to prove that conclusively. Therefore, this variant has been classified as Likely Pathogenic. This variant has not been reported in the literature in individuals affected with DNAH11-related conditions. This variant results in the deletion of part of exon 48 (c.7904_7914+645del) of the DNAH11 gene. It is expected to disrupt RNA splicing. Variants that disrupt the donor or acceptor splice site typically lead to a loss of protein function (PMID: 16199547), and loss-of-function variants in DNAH11 are known to be pathogenic (PMID: 18022865, 20513915, 22184204).

Literature cited by the submitters: PubMed 16199547; PubMed 18022865; PubMed 20513915; PubMed 22184204.